The following is an entry in ClinVar:

ClinVar aggregate classification (germline): Uncertain significance (1 of 4 stars; one submission).

Conditions:
Atypical hemolytic-uremic syndrome. Identifiers: Orphanet 2134, MedGen C2931788, MONDO:0016244.

Submission:

Genomenon, Inc
Classification: Uncertain significance for Atypical hemolytic-uremic syndrome. Last evaluated: 2025-09-26. Review status: criteria provided, single submitter. Criteria: Genomenon Sequence Variant Interpretation Standards - Updated. Collection method: curation. Allele origin: germline. Affected: yes.
Comment: DGKE p.Leu476Pro (c.1427T>C) is a missense variant that changes the amino acid at residue 476 from Leucine to Proline. This variant has been observed in at least one proband affected with atypical hemolytic-uremic syndrome (PMID:32386968). It is absent or not present at a significant frequency in gnomAD. In conclusion, we classify DGKE p.Leu476Pro (c.1427T>C) as a variant of uncertain significance.

Literature cited by the submitters: PubMed 32386968.

NM_003647.3(DGKE):c.1427T>C (p.Leu476Pro)

Gene: DGKE (diacylglycerol kinase epsilon; plus strand). Cytogenetic location: 17q22.
Variant type: single nucleotide variant.
Coding change: c.1427T>C on transcript NM_003647.3 (MANE Select); coding-DNA position 1427, T replaced by C.
Protein change: p.Leu476Pro; replaces leucine 476 with proline.
Molecular consequence: missense variant.
Genome position (GRCh38, 1-based): chr17:56,862,154, T>C. VCF-style: chr17-56862154-T-C. GRCh37 (hg19) VCF-style: chr17-54939515-T-C.
Other names: short protein forms L476P.
Identifiers: ClinVar variation 4280377 (VCV004280377.1).